The following is an entry in ClinVar:

NM_005765.3(ATP6AP2):c.1050T>C (p.Asp350=)

Gene: ATP6AP2 (ATPase H+ transporting accessory protein 2; plus strand). Cytogenetic location: Xp11.4.
Variant type: single nucleotide variant.
Coding change: c.1050T>C on transcript NM_005765.3 (MANE Select); coding-DNA position 1050, T replaced by C.
Protein change: p.Asp350=; no amino-acid change (aspartic acid 350 retained).
Molecular consequence: synonymous variant.
Genome position (GRCh38, 1-based): chrX:40,605,752, T>C. VCF-style: chrX-40605752-T-C. GRCh37 (hg19) VCF-style: chrX-40465004-T-C.
Other names: p.D350D:GAT>GAC.
Identifiers: ClinVar variation 199113 (VCV000199113.16), dbSNP rs79790275, ClinGen allele CA303077.

ClinVar aggregate classification (germline): Benign/Likely benign. Review status: criteria provided, multiple submitters, no conflicts (2 of 4 stars). 4 submissions from 4 submitters: Benign (3); Likely benign (1). Last evaluated 2026-01-24.

Conditions:
X-linked parkinsonism-spasticity syndrome. Also called: Parkinsonism with spasticity, X-linked. Identifiers: Orphanet 363654, MedGen C3806722, MONDO:0010482, OMIM 300911.
Intellectual developmental disorder, X-linked, syndromic, Hedera type. Also called: Syndromic X-linked intellectual disability Hedera type. Identifiers: Orphanet 93952, MedGen C1845543, MONDO:0010319, OMIM 300423.
Congenital disorder of glycosylation, type IIr. Also called: CDG IIr. Identifiers: MedGen C5393313, MONDO:0026765, OMIM 301045.

Allele frequency attached by ClinVar (database versions not stated): ExAC 0.00039; ESP Exome Variant Server 0.00123; gnomAD 0.00136 and 0.00141; 1000 Genomes Project 0.00159; 1000 Genomes Project 30x 0.00166; TOPMed 0.00174.
gnomAD v4.1: 302 of 1,201,956 alleles (0.025%); highest among the groups gnomAD compares: African/African-American, 0.46%; no homozygotes.

Submissions (4):

Labcorp Genetics (formerly Invitae), Labcorp
Classification: Benign for Intellectual developmental disorder, X-linked, syndromic, Hedera type. Last evaluated: 2026-01-24. Review status: criteria provided, single submitter. Criteria: Invitae Variant Classification Sherloc (09022015). Collection method: clinical testing. Allele origin: germline.

Fulgent Genetics
Classification: Likely benign for Intellectual developmental disorder, X-linked, syndromic, Hedera type; X-linked parkinsonism-spasticity syndrome; Congenital disorder of glycosylation, type IIr. Last evaluated: 2022-01-24. Review status: criteria provided, single submitter. Criteria: ACMG Guidelines, 2015. Collection method: clinical testing. Allele origin: unknown.

Eurofins Ntd Llc (ga)
Classification: Benign. Last evaluated: 2015-01-06. Review status: criteria provided, single submitter. Criteria: EGL Classification Definitions 2015. Collection method: clinical testing. Allele origin: germline. Observed: 1 variant allele, 1 hemizygote.

GeneDx
Classification: Benign. Last evaluated: 2014-09-17. Review status: criteria provided, single submitter. Criteria: GeneDx Variant Classification (06012015). Collection method: clinical testing. Allele origin: germline. Affected: yes.
Comment: This variant is considered likely benign or benign based on one or more of the following criteria: it is a conservative change, it occurs at a poorly conserved position in the protein, it is predicted to be benign by multiple in silico algorithms, and/or has population frequency not consistent with disease.